The following is an entry in ClinVar:

ClinVar aggregate classification (germline): Uncertain significance. Review status: criteria provided, multiple submitters, no conflicts (2 of 4 stars). 2 submissions from 2 submitters: Uncertain significance (2). Last evaluated 2025-06-19.

Conditions:
Inborn genetic diseases. Identifiers: MedGen C0950123, MeSH D030342.

gnomAD v4.1: 2 of 1,613,906 alleles (0.00012%); highest among the groups gnomAD compares: Non-Finnish European, 0.00017%; no homozygotes.

Submissions (2):

Ambry Genetics
Classification: Uncertain significance for Inborn genetic diseases. Last evaluated: 2025-06-19. Review status: criteria provided, single submitter. Criteria: Ambry Variant Classification Scheme 2023. Collection method: clinical testing. Allele origin: germline.
Comment: The p.G537R variant (also known as c.1609G>A), located in coding exon 1 of the SAMD9 gene, results from a G to A substitution at nucleotide position 1609. The glycine at codon 537 is replaced by arginine, an amino acid with dissimilar properties. This amino acid position is conserved. In addition, this alteration is predicted to be tolerated by in silico analysis. Based on the available evidence, the clinical significance of this variant remains unclear.

Labcorp Genetics (formerly Invitae), Labcorp
Classification: Uncertain significance. Last evaluated: 2025-03-05. Review status: criteria provided, single submitter. Criteria: Invitae Variant Classification Sherloc (09022015). Collection method: clinical testing. Allele origin: germline.
Comment: This sequence change replaces glycine, which is neutral and non-polar, with arginine, which is basic and polar, at codon 537 of the SAMD9 protein (p.Gly537Arg). This variant is not present in population databases (gnomAD no frequency). This variant has not been reported in the literature in individuals affected with SAMD9-related conditions. Invitae Evidence Modeling of protein sequence and biophysical properties (such as structural, functional, and spatial information, amino acid conservation, physicochemical variation, residue mobility, and thermodynamic stability) indicates that this missense variant is not expected to disrupt SAMD9 protein function with a negative predictive value of 95%. In summary, the available evidence is currently insufficient to determine the role of this variant in disease. Therefore, it has been classified as a Variant of Uncertain Significance.

NM_017654.4(SAMD9):c.1609G>A (p.Gly537Arg)

Gene: SAMD9 (sterile alpha motif domain containing 9; minus strand). Cytogenetic location: 7q21.2.
Variant type: single nucleotide variant.
Coding change: c.1609G>A on transcript NM_017654.4 (MANE Select); coding-DNA position 1609, G replaced by A.
Protein change: p.Gly537Arg; replaces glycine 537 with arginine.
Molecular consequence: missense variant.
Genome position (GRCh38, 1-based): chr7:93,104,489, C>T on the plus strand (G>A on the coding strand, the complement: SAMD9 is on the minus strand). VCF-style: chr7-93104489-C-T. GRCh37 (hg19) VCF-style: chr7-92733802-C-T.
Other names: c.1609G>A, p.Gly537Arg (NM_001193307.2); short protein forms G537R.
Identifiers: ClinVar variation 4159018 (VCV004159018.2).